The following is an entry in ClinVar:

ClinVar aggregate classification (germline): Pathogenic (1 of 4 stars; one submission).

Conditions:
Inborn genetic diseases. Identifiers: MedGen C0950123, MeSH D030342.

Submission:

Ambry Genetics
Classification: Pathogenic for Inborn genetic diseases. Last evaluated: 2022-01-18. Review status: criteria provided, single submitter. Criteria: Ambry Variant Classification Scheme 2023. Collection method: clinical testing. Allele origin: germline.
Comment: The c.537_544delCCCTGTAA (p.P180Hfs*2) alteration, located in exon 6 (coding exon 6) of the EBF3 gene, consists of a deletion of 8 nucleotides from position 537 to 544, causing a translational frameshift with a predicted alternate stop codon after 2 amino acids. This alteration is expected to result in loss of function by premature protein truncation or nonsense-mediated mRNA decay. This variant was not reported in population-based cohorts in the Genome Aggregation Database (gnomAD). Based on the available evidence, this alteration is classified as pathogenic.

NM_001375380.1(EBF3):c.537_544del (p.Pro180fs)

Gene: EBF3 (EBF transcription factor 3; minus strand). Cytogenetic location: 10q26.3.
Variant type: Deletion.
Coding change: c.537_544del on transcript NM_001375380.1 (MANE Select); coding-DNA positions 537 to 544, 8 bases deleted (CCCTGTAA; older notation c.537_544delCCCTGTAA).
Protein change: p.Pro180fs; shifts the reading frame from proline 180.
Molecular consequence: frameshift variant.
Genome position (GRCh38, 1-based): chr10:129,957,268-129,957,275, TTACAGGG deleted on the plus strand (CCCTGTAA on the coding strand, the reverse complement: EBF3 is on the minus strand); deleting any 8 consecutive bases within chr10:129,957,268-129,957,276 gives the same sequence; the c. name uses the placement nearest the transcript's 3' end. VCF-style (leftmost placement, unchanged base first): chr10-129957267-ATTACAGGG-A. GRCh37 (hg19) VCF-style: chr10-131755531-ATTACAGGG-A.
Other names: c.537_544del, p.Pro180fs (NM_001005463.3, NM_001375379.1, NM_001375389.1 and 3 more transcripts); short protein forms P180fs.
Identifiers: ClinVar variation 2265788 (VCV002265788.2), dbSNP rs2493627848, ClinGen allele CA2580082458.